The following is an entry in ClinVar:

NC_000012.11:g.(?_20522219)_(20523198_?)del

Gene: PDE3A (phosphodiesterase 3A; plus strand). Cytogenetic location: 12p12.2.
Variant type: Deletion.
Identifiers: ClinVar variation 2423436 (VCV002423436.4).

ClinVar aggregate classification (germline): Uncertain significance (1 of 4 stars; one submission).

Submission:

Labcorp Genetics (formerly Invitae), Labcorp
Classification: Uncertain significance. Last evaluated: 2021-11-25. Review status: criteria provided, single submitter. Criteria: Invitae Variant Classification Sherloc (09022015). Collection method: clinical testing. Allele origin: germline.
Comment: This variant is a gross deletion of the genomic region encompassing exon(s) 1 of the PDE3A gene, which includes the initiator codon. This deletion extends beyond the assayed region for this gene and therefore may encompass additional genes. It is expected to result in an absent or disrupted protein product. However, the current clinical and genetic evidence is not sufficient to establish whether loss-of-function variants in PDE3A cause disease. In summary, the available evidence is currently insufficient to determine the role of this variant in disease. Therefore, it has been classified as a Variant of Uncertain Significance. This variant has not been reported in the literature in individuals affected with PDE3A-related conditions.